The following is an entry in ClinVar:

ClinVar aggregate classification (germline): Uncertain significance (1 of 4 stars; one submission).

Submission:

CeGaT Center for Human Genetics Tuebingen
Classification: Uncertain significance. Last evaluated: 2024-06-01. Review status: criteria provided, single submitter. Criteria: CeGaT Center For Human Genetics Tuebingen Variant Classification Criteria Version 2. Collection method: clinical testing. Allele origin: germline. Affected: yes. Observed: 1 variant allele.
Comment: BGN: PM2:Supporting, BP4

NM_001711.6(BGN):c.960C>T (p.Phe320=)

Gene: BGN (biglycan; plus strand). Cytogenetic location: Xq28.
Variant type: single nucleotide variant.
Coding change: c.960C>T on transcript NM_001711.6 (MANE Select); coding-DNA position 960, C replaced by T.
Protein change: p.Phe320=; no amino-acid change (phenylalanine 320 retained).
Molecular consequence: synonymous variant.
Genome position (GRCh38, 1-based): chrX:153,508,298, C>T. VCF-style: chrX-153508298-C-T. GRCh37 (hg19) VCF-style: chrX-152773756-C-T.
Identifiers: ClinVar variation 3251128 (VCV003251128.18), dbSNP rs2521228325.
Genomic context (GRCh38, chrX:153,508,298, plus strand): 5'-CTGCCTTCAGGTGGTCTATCTGCACTCCAACAACATCACCAAAGTGGGTGTCAACGACTT[C>T]TGTCCCATGGGCTTCGGGGTGAAGCGGGCCTACTACAACGGCATCAGCCTCTTCAACAAC-3'
Protein context (NP_001702.1, residues 310-330): NNITKVGVND[Phe320=]CPMGFGVKRA